The following is an entry in ClinVar:

NM_000868.4(HTR2C):c.1349T>C (p.Val450Ala)

Genes: HTR2C (5-hydroxytryptamine receptor 2C; plus strand), LOC126863306 (MED14-independent group 3 enhancer GRCh37_chrX:114140926-114142125; plus strand). Cytogenetic location: Xq23.
Variant type: single nucleotide variant.
Coding change: c.1349T>C on transcript NM_000868.4 (MANE Select); coding-DNA position 1349, T replaced by C.
Protein change: p.Val450Ala; replaces valine 450 with alanine.
Molecular consequence: missense variant. On other transcripts: 3 prime UTR variant (1).
Genome position (GRCh38, 1-based): chrX:114,907,387, T>C. VCF-style: chrX-114907387-T-C. GRCh37 (hg19) VCF-style: chrX-114141950-T-C.
Other names: c.1349T>C, p.Val450Ala (NM_001256760.3); c.*507T>C (NM_001256761.3); short protein forms V450A.
Identifiers: ClinVar variation 5000810 (VCV005000810.1).

ClinVar aggregate classification (germline): Uncertain significance (1 of 4 stars; one submission).

Conditions:
HTR2C-related disorder. Also called: HTR2C-related condition.

gnomAD v4.1: 16 of 1,205,827 alleles (0.0013%); highest among the groups gnomAD compares: Non-Finnish European, 0.0018%; no homozygotes.

Submission:

PreventionGenetics, part of Exact Sciences
Classification: Uncertain significance for HTR2C-related condition. Last evaluated: 2024-10-08. Review status: criteria provided, single submitter. Criteria: ACMG Guidelines, 2015. Collection method: clinical testing. Allele origin: germline.
Comment: The HTR2C c.1349T>C variant is predicted to result in the amino acid substitution p.Val450Ala. To our knowledge, this variant has not been reported in the literature. This variant is reported in 0.0025% of alleles in individuals of European (Non-Finnish) descent in gnomAD. At this time, the clinical significance of this variant is uncertain due to the absence of conclusive functional and genetic evidence.